The following is an entry in ClinVar:

ClinVar aggregate classification (germline): Uncertain significance (1 of 4 stars; one submission).

gnomAD v4.1: 13 of 1,614,046 alleles (0.00081%); highest among the groups gnomAD compares: East Asian, 0.0022%; no homozygotes.

Submission:

Labcorp Genetics (formerly Invitae), Labcorp
Classification: Uncertain significance. Last evaluated: 2026-01-17. Review status: criteria provided, single submitter. Criteria: Invitae Variant Classification Sherloc (09022015). Collection method: clinical testing. Allele origin: germline.
Comment: This sequence change replaces aspartic acid, which is acidic and polar, with glycine, which is neutral and non-polar, at codon 456 of the C1S protein (p.Asp456Gly). This variant is present in population databases (no rsID available, gnomAD 0.06%). This variant has not been reported in the literature in individuals affected with C1S-related conditions. Invitae Evidence Modeling of protein sequence and biophysical properties (such as structural, functional, and spatial information, amino acid conservation, physicochemical variation, residue mobility, and thermodynamic stability) indicates that this missense variant is not expected to disrupt C1S protein function with a negative predictive value of 80%. In summary, the available evidence is currently insufficient to determine the role of this variant in disease. Therefore, it has been classified as a Variant of Uncertain Significance.

NM_001734.5(C1S):c.1367A>G (p.Asp456Gly)

Gene: C1S (complement C1s; plus strand). Cytogenetic location: 12p13.31.
Variant type: single nucleotide variant.
Coding change: c.1367A>G on transcript NM_001734.5 (MANE Select); coding-DNA position 1367, A replaced by G.
Protein change: p.Asp456Gly; replaces aspartic acid 456 with glycine.
Molecular consequence: missense variant.
Genome position (GRCh38, 1-based): chr12:7,069,951, A>G. VCF-style: chr12-7069951-A-G. GRCh37 (hg19) VCF-style: chr12-7177255-A-G.
Other names: c.866A>G, p.Asp289Gly (NM_001346850.2); c.1367A>G, p.Asp456Gly (NM_201442.4); short protein forms D289G, D456G.
Identifiers: ClinVar variation 4696041 (VCV004696041.1).